The following is an entry in ClinVar:

ClinVar aggregate classification (germline): Uncertain significance (1 of 4 stars; one submission).

Conditions:
RASopathy. Also called: rasopathies; Noonan spectrum disorder. Identifiers: Orphanet 536391, MedGen C5555857, MONDO:0021060.

Submission:

Labcorp Genetics (formerly Invitae), Labcorp
Classification: Uncertain significance for RASopathy. Last evaluated: 2024-04-15. Review status: criteria provided, single submitter. Criteria: Invitae Variant Classification Sherloc (09022015). Collection method: clinical testing. Allele origin: germline.
Comment: This sequence change replaces threonine, which is neutral and polar, with isoleucine, which is neutral and non-polar, at codon 378 of the MAP2K1 protein (p.Thr378Ile). This variant is not present in population databases (gnomAD no frequency). This variant has not been reported in the literature in individuals affected with MAP2K1-related conditions. Advanced modeling of protein sequence and biophysical properties (such as structural, functional, and spatial information, amino acid conservation, physicochemical variation, residue mobility, and thermodynamic stability) performed at Invitae indicates that this missense variant is not expected to disrupt MAP2K1 protein function with a negative predictive value of 80%. In summary, the available evidence is currently insufficient to determine the role of this variant in disease. Therefore, it has been classified as a Variant of Uncertain Significance.

NM_002755.4(MAP2K1):c.1133C>T (p.Thr378Ile)

Genes: MAP2K1 (mitogen-activated protein kinase kinase 1; plus strand), SNAPC5 (small nuclear RNA activating complex polypeptide 5; minus strand). Cytogenetic location: 15q22.31.
Variant type: single nucleotide variant.
Coding change: c.1133C>T on transcript NM_002755.4 (MANE Select); coding-DNA position 1133, C replaced by T.
Protein change: p.Thr378Ile; replaces threonine 378 with isoleucine.
Molecular consequence: missense variant. On other transcripts: 3 prime UTR variant (1), non-coding transcript variant (1).
Genome position (GRCh38, 1-based): chr15:66,490,566, C>T. VCF-style: chr15-66490566-C-T. GRCh37 (hg19) VCF-style: chr15-66782904-C-T.
Other names: c.*173G>A (NM_006049.4); c.989C>T, p.Thr330Ile (NM_001411065.1); short protein forms T330I, T378I.
Identifiers: ClinVar variation 3665360 (VCV003665360.2).